The following is an entry in ClinVar:

ClinVar aggregate classification (germline): Likely benign. Review status: criteria provided, multiple submitters, no conflicts (2 of 4 stars). 4 submissions from 4 submitters: Likely benign (4). Last evaluated 2025-06-18.

Conditions:
Familial thoracic aortic aneurysm and aortic dissection (TAAD). Also called: Thoracic aortic aneurysms and dissections. Identifiers: Orphanet 91387, MedGen C4707243, MONDO:0019625.
Aortic aneurysm, familial thoracic 4 (AAT4). Also called: AORTIC ANEURYSM/AORTIC DISSECTION AND PATENT DUCTUS ARTERIOSUS. Identifiers: MedGen C1851504, MONDO:0007568, OMIM 132900.

Allele frequency attached by ClinVar (database versions not stated): ExAC 0.00001; TOPMed 0.00001.
gnomAD v4.1: 6 of 1,614,150 alleles (0.00037%); highest among the groups gnomAD compares: Admixed American, 0.0033%; no homozygotes.

Submissions (4):

Labcorp Genetics (formerly Invitae), Labcorp
Classification: Likely benign for Aortic aneurysm, familial thoracic 4. Last evaluated: 2025-06-18. Review status: criteria provided, single submitter. Criteria: Invitae Variant Classification Sherloc (09022015). Collection method: clinical testing. Allele origin: germline.

All of Us Research Program, National Institutes of Health
Classification: Likely benign for Familial thoracic aortic aneurysm and aortic dissection. Last evaluated: 2023-10-27. Review status: criteria provided, single submitter. Criteria: ACMG Guidelines, 2015. Collection method: clinical testing. Allele origin: germline. Inheritance: Autosomal dominant inheritance. Observed: 2 variant alleles, 2 heterozygotes.
Comment: This study involves interpretation of variants in research participants for the purpose of population health screening. Participant phenotype was not available at the time of variant classification. Additional details can be found in publication PMID: 35346344, PMCID: PMC8962531

Ambry Genetics
Classification: Likely benign for Familial thoracic aortic aneurysm and aortic dissection. Last evaluated: 2020-02-10. Review status: criteria provided, single submitter. Criteria: Ambry Variant Classification Scheme 2023. Collection method: clinical testing. Allele origin: germline.

Color Diagnostics, LLC DBA Color Health
Classification: Likely benign for Familial thoracic aortic aneurysm and aortic dissection. Last evaluated: 2019-06-01. Review status: criteria provided, single submitter. Criteria: ACMG Guidelines, 2015. Collection method: clinical testing. Allele origin: germline.

NM_002474.3(MYH11):c.282G>A (p.Thr94=)

Gene: MYH11 (myosin heavy chain 11; minus strand). Cytogenetic location: 16p13.11.
Variant type: single nucleotide variant.
Coding change: c.282G>A on transcript NM_002474.3 (MANE Select); coding-DNA position 282, G replaced by A.
Protein change: p.Thr94=; no amino-acid change (threonine 94 retained).
Molecular consequence: synonymous variant.
Genome position (GRCh38, 1-based): chr16:15,837,971, C>T on the plus strand (G>A on the coding strand, the complement: MYH11 is on the minus strand). VCF-style: chr16-15837971-C-T. GRCh37 (hg19) VCF-style: chr16-15931828-C-T.
Other names: c.282G>A, p.Thr94= (NM_001040113.2, NM_001040114.2, NM_022844.3).
Identifiers: ClinVar variation 928235 (VCV000928235.12), dbSNP rs759914132, ClinGen allele CA7923099.